The following is an entry in ClinVar:

ClinVar aggregate classification (germline): Uncertain significance. Review status: criteria provided, multiple submitters, no conflicts (2 of 4 stars). 4 submissions from 4 submitters: Uncertain significance (4). Last evaluated 2026-09-21.

Conditions:
Inborn genetic diseases. Identifiers: MedGen C0950123, MeSH D030342.
PNPT1-related disorder. Also called: PNPT1-related disorders; PNPT1-related condition.

Allele frequency attached by ClinVar (database versions not stated): gnomAD exomes 0.00001; TOPMed 0.00001; gnomAD 0.00003.
gnomAD v4.1: 11 of 1,600,088 alleles (0.00069%); highest among the groups gnomAD compares: African/African-American, 0.0013%; no homozygotes.

Submissions (4):

GeneDx
Classification: Uncertain significance. Last evaluated: 2026-09-21. Review status: criteria provided, single submitter. Criteria: GeneDx Variant Classification Process June 2021. Collection method: clinical testing. Allele origin: germline.
Comment: Has not been previously published as pathogenic or benign to our knowledge; Not observed at significant frequency in large population cohorts (gnomAD); In silico analysis suggests that this missense variant does not alter protein structure/function

PreventionGenetics, part of Exact Sciences
Classification: Uncertain significance for PNPT1-related condition. Last evaluated: 2026-08-25. Review status: criteria provided, single submitter. Criteria: ACMG Guidelines, 2015. Collection method: clinical testing. Allele origin: germline.
Comment: The PNPT1 c.673C>G variant is predicted to result in the amino acid substitution p.Gln225Glu. To our knowledge, this variant has not been reported in the literature. This variant is reported in 0.0016% of alleles in individuals of European (Non-Finnish) descent in gnomAD. At this time, the clinical significance of this variant is uncertain due to the absence of conclusive functional and genetic evidence.

Ambry Genetics
Classification: Uncertain significance for Inborn genetic diseases. Last evaluated: 2025-08-12. Review status: criteria provided, single submitter. Criteria: Ambry Variant Classification Scheme 2023. Collection method: clinical testing. Allele origin: germline.

Labcorp Genetics (formerly Invitae), Labcorp
Classification: Uncertain significance. Last evaluated: 2022-07-12. Review status: criteria provided, single submitter. Criteria: Invitae Variant Classification Sherloc (09022015). Collection method: clinical testing. Allele origin: germline.
Comment: This sequence change replaces glutamine, which is neutral and polar, with glutamic acid, which is acidic and polar, at codon 225 of the PNPT1 protein (p.Gln225Glu). This variant is present in population databases (no rsID available, gnomAD 0.003%). This variant has not been reported in the literature in individuals affected with PNPT1-related conditions. ClinVar contains an entry for this variant (Variation ID: 1443141). Algorithms developed to predict the effect of missense changes on protein structure and function (SIFT, PolyPhen-2, Align-GVGD) all suggest that this variant is likely to be tolerated. In summary, the available evidence is currently insufficient to determine the role of this variant in disease. Therefore, it has been classified as a Variant of Uncertain Significance.

NM_033109.5(PNPT1):c.673C>G (p.Gln225Glu)

Gene: PNPT1 (polyribonucleotide nucleotidyltransferase 1; minus strand). Cytogenetic location: 2p16.1.
Variant type: single nucleotide variant.
Coding change: c.673C>G on transcript NM_033109.5 (MANE Select); coding-DNA position 673, C replaced by G.
Protein change: p.Gln225Glu; replaces glutamine 225 with glutamic acid.
Molecular consequence: missense variant.
Genome position (GRCh38, 1-based): chr2:55,679,688, G>C on the plus strand (C>G on the coding strand, the complement: PNPT1 is on the minus strand). VCF-style: chr2-55679688-G-C. GRCh37 (hg19) VCF-style: chr2-55906823-G-C.
Other names: c.673C>G (NM_033109.3, NM_033109.4); short protein forms Q225E.
Identifiers: ClinVar variation 1443141 (VCV001443141.12), dbSNP rs891974446, ClinGen allele CA47664816.